The following is an entry in ClinVar:

ClinVar aggregate classification (germline): Uncertain significance (1 of 4 stars; one submission).

Conditions:
Familial cancer of breast. Also called: BREAST CANCER, FAMILIAL; hereditary breast carcinoma; Hereditary breast cancer. Identifiers: Orphanet 227535, MedGen C0346153, MONDO:0016419, OMIM 114480. Disease mechanism: loss of function.

Submission:

Labcorp Genetics (formerly Invitae), Labcorp
Classification: Uncertain significance for Familial cancer of breast. Last evaluated: 2023-04-23. Review status: criteria provided, single submitter. Criteria: Invitae Variant Classification Sherloc (09022015). Collection method: clinical testing. Allele origin: germline.
Comment: In summary, the available evidence is currently insufficient to determine the role of this variant in disease. Therefore, it has been classified as a Variant of Uncertain Significance. An algorithm developed to predict the effect of missense changes on protein structure and function (PolyPhen-2) suggests that this variant is likely to be disruptive. ClinVar contains an entry for this variant (Variation ID: 1720892). This variant has not been reported in the literature in individuals affected with BARD1-related conditions. This variant is not present in population databases (gnomAD no frequency). This sequence change replaces arginine, which is basic and polar, with proline, which is neutral and non-polar, at codon 49 of the BARD1 protein (p.Arg49Pro).

NM_000465.4(BARD1):c.146G>C (p.Arg49Pro)

Gene: BARD1 (BRCA1 associated RING domain 1; minus strand). Cytogenetic location: 2q35.
Variant type: single nucleotide variant.
Coding change: c.146G>C on transcript NM_000465.4 (MANE Select); coding-DNA position 146, G replaced by C.
Protein change: p.Arg49Pro; replaces arginine 49 with proline.
Molecular consequence: missense variant. On other transcripts: non-coding transcript variant (3).
Genome position (GRCh38, 1-based): chr2:214,809,424, C>G on the plus strand (G>C on the coding strand, the complement: BARD1 is on the minus strand). VCF-style: chr2-214809424-C-G. GRCh37 (hg19) VCF-style: chr2-215674148-C-G.
Other names: c.146G>C, p.Arg49Pro (NM_001282543.2, NM_001282545.2, NM_001282548.2 and 1 more transcripts); short protein forms R49P.
Identifiers: ClinVar variation 1720892 (VCV001720892.5), dbSNP rs2106170835, ClinGen allele CA350464781.